The following is an entry in ClinVar:

ClinVar aggregate classification (germline): Uncertain significance. Review status: criteria provided, multiple submitters, no conflicts (2 of 4 stars). 2 submissions from 2 submitters: Uncertain significance (2). Last evaluated 2025-09-10.

Conditions:
Inborn genetic diseases. Identifiers: MedGen C0950123, MeSH D030342.

Allele frequency attached by ClinVar (database versions not stated): gnomAD exomes below 0.00001 and 0.00001; ExAC 0.00001; gnomAD 0.00001 and 0.00002; 1000 Genomes Project 0.00020; 1000 Genomes Project 30x 0.00031.
gnomAD v4.1: 8 of 1,613,018 alleles (0.0005%); highest among the groups gnomAD compares: Middle Eastern, 0.066%; no homozygotes.

Submissions (2):

Ambry Genetics
Classification: Uncertain significance for Inborn genetic diseases. Last evaluated: 2025-09-10. Review status: criteria provided, single submitter. Criteria: Ambry Variant Classification Scheme 2023. Collection method: clinical testing. Allele origin: germline.

Labcorp Genetics (formerly Invitae), Labcorp
Classification: Uncertain significance. Last evaluated: 2022-08-22. Review status: criteria provided, single submitter. Criteria: Invitae Variant Classification Sherloc (09022015). Collection method: clinical testing. Allele origin: germline.
Comment: In summary, the available evidence is currently insufficient to determine the role of this variant in disease. Therefore, it has been classified as a Variant of Uncertain Significance. Algorithms developed to predict the effect of missense changes on protein structure and function are either unavailable or do not agree on the potential impact of this missense change (SIFT: "Deleterious"; PolyPhen-2: "Probably Damaging"; Align-GVGD: "Class C0"). ClinVar contains an entry for this variant (Variation ID: 1520279). This variant has not been reported in the literature in individuals affected with HSPG2-related conditions. This variant is present in population databases (rs567497829, gnomAD 0.009%). This sequence change replaces serine, which is neutral and polar, with phenylalanine, which is neutral and non-polar, at codon 2784 of the HSPG2 protein (p.Ser2784Phe).

NM_005529.7(HSPG2):c.8351C>T (p.Ser2784Phe)

Gene: HSPG2 (heparan sulfate proteoglycan 2; minus strand). Cytogenetic location: 1p36.12.
Variant type: single nucleotide variant.
Coding change: c.8351C>T on transcript NM_005529.7 (MANE Select); coding-DNA position 8351, C replaced by T.
Protein change: p.Ser2784Phe; replaces serine 2784 with phenylalanine.
Molecular consequence: missense variant.
Genome position (GRCh38, 1-based): chr1:21,846,221, G>A on the plus strand (C>T on the coding strand, the complement: HSPG2 is on the minus strand). VCF-style: chr1-21846221-G-A. GRCh37 (hg19) VCF-style: chr1-22172714-G-A.
Other names: c.8354C>T, p.Ser2785Phe (NM_001291860.2); c.8351C>T (NM_005529.5); short protein forms S2784F, S2785F.
Identifiers: ClinVar variation 1520279 (VCV001520279.9), dbSNP rs567497829, ClinGen allele CA670809.